The following is an entry in ClinVar:

NM_001024630.4(RUNX2):c.252GGC[4] (p.Ala89_Val90insAla)

Genes: RUNX2 (RUNX family transcription factor 2; plus strand), LOC109611589 (runt related transcription factor 2 polyalanine expansion region; plus strand). Cytogenetic location: 6p21.1.
Variant type: Microsatellite.
Coding change: c.252GGC[4] on transcript NM_001024630.4 (MANE Select); four copies in a row of the 3-base unit GGC starting at c.252; the reference has three copies in a row; one copy, 3 bases duplicated.
Protein change: p.Ala89_Val90insAla.
Genome position (GRCh38, 1-based): chr6:45,422,792-45,422,794, GGC duplicated; duplicating any 3 consecutive bases within chr6:45,422,784-45,422,794 gives the same sequence; the position shown is the placement nearest the transcript's 3' end. VCF-style (leftmost placement, unchanged base first): chr6-45422783-T-TGCG. GRCh37 (hg19) VCF-style: chr6-45390520-T-TGCG.
Other names: c.252GGC[4], p.Ala89_Val90insAla (NM_001015051.4); c.210GGC[4], p.Ala75_Val76insAla (NM_001278478.2, NM_001369405.1).
Identifiers: ClinVar variation 3671284 (VCV003671284.2).
Genomic context (GRCh38, chr6:45,422,783, plus strand): 5'-GCAGCAACAGCAGCAGCAGCAGCAGGAGGCGGCGGCGGCGGCTGCGGCGGCGGCGGCGGC[T>TGCG]GCGGCGGCGGCAGCTGCAGTGCCCCGGTTGCGGCCGCCCCACGACAACCGCACCATGGTG-3'

ClinVar aggregate classification (germline): Uncertain significance (1 of 4 stars; one submission).

Submission:

Labcorp Genetics (formerly Invitae), Labcorp
Classification: Uncertain significance. Last evaluated: 2025-03-04. Review status: criteria provided, single submitter. Criteria: Invitae Variant Classification Sherloc (09022015). Collection method: clinical testing. Allele origin: germline.
Comment: This variant, c.258_260dup, results in the insertion of 1 amino acid(s) of the RUNX2 protein (p.Ala89dup), but otherwise preserves the integrity of the reading frame. This variant is not present in population databases (gnomAD no frequency). This variant has not been reported in the literature in individuals affected with RUNX2-related conditions. Experimental studies and prediction algorithms are not available or were not evaluated, and the functional significance of this variant is currently unknown. In summary, the available evidence is currently insufficient to determine the role of this variant in disease. Therefore, it has been classified as a Variant of Uncertain Significance.